The following is an entry in ClinVar:

ClinVar aggregate classification (germline): Benign/Likely benign. Review status: criteria provided, multiple submitters, no conflicts (2 of 4 stars). 5 submissions from 5 submitters: Benign (1); Likely benign (4). Last evaluated 2025-02-03.

Conditions:
Hereditary cancer-predisposing syndrome. Also called: Tumor predisposition; Neoplastic Syndromes, Hereditary; Hereditary Cancer Syndrome; Hereditary neoplastic syndrome. Identifiers: Orphanet 140162, MedGen C0027672, MeSH D009386, MONDO:0015356.
Hereditary diffuse gastric adenocarcinoma (HDGC). Also called: DIFFUSE GASTRIC AND LOBULAR BREAST CANCER SYNDROME. Identifiers: Orphanet 26106, MedGen C1708349, MONDO:0007648, OMIM 137215.

Allele frequency attached by ClinVar (database versions not stated): gnomAD exomes below 0.00001.
gnomAD v4.1: 2 of 1,465,844 alleles (0.00014%); highest among the groups gnomAD compares: Non-Finnish European, 0.00018%; no homozygotes.

Submissions (5):

Labcorp Genetics (formerly Invitae), Labcorp
Classification: Likely benign for Hereditary diffuse gastric adenocarcinoma. Last evaluated: 2025-02-03. Review status: criteria provided, single submitter. Criteria: Invitae Variant Classification Sherloc (09022015). Collection method: clinical testing. Allele origin: germline.

Myriad Genetics, Inc.
Classification: Benign for Hereditary diffuse gastric adenocarcinoma. Last evaluated: 2024-09-10. Review status: criteria provided, single submitter. Criteria: Myriad Autosomal Dominant, Autosomal Recessive and X-Linked Classification Criteria (2023). Collection method: clinical testing. Allele origin: unknown.
Comment: This variant is considered benign. This variant is a silent/synonymous amino acid change and it is not expected to impact splicing.

Ambry Genetics
Classification: Likely benign for Hereditary cancer-predisposing syndrome. Last evaluated: 2021-07-28. Review status: criteria provided, single submitter. Criteria: Ambry Variant Classification Scheme 2023. Collection method: clinical testing. Allele origin: germline.

GeneDx
Classification: Likely benign. Last evaluated: 2018-05-28. Review status: criteria provided, single submitter. Criteria: GeneDx Variant Classification (06012015). Collection method: clinical testing. Allele origin: germline. Affected: yes.
Comment: This variant is considered likely benign or benign based on one or more of the following criteria: it is a conservative change, it occurs at a poorly conserved position in the protein, it is predicted to be benign by multiple in silico algorithms, and/or has population frequency not consistent with disease.

Color Diagnostics, LLC DBA Color Health
Classification: Likely benign for Hereditary cancer-predisposing syndrome. Last evaluated: 2017-04-24. Review status: criteria provided, single submitter. Criteria: ACMG Guidelines, 2015. Collection method: clinical testing. Allele origin: germline.

NM_004360.5(CDH1):c.30G>T (p.Ala10=)

Gene: CDH1 (cadherin 1; plus strand). Cytogenetic location: 16q22.1.
Variant type: single nucleotide variant.
Coding change: c.30G>T on transcript NM_004360.5 (MANE Select); coding-DNA position 30, G replaced by T.
Protein change: p.Ala10=; no amino-acid change (alanine 10 retained).
Molecular consequence: synonymous variant. On other transcripts: 5 prime UTR variant (2).
Genome position (GRCh38, 1-based): chr16:68,737,445, G>T. VCF-style: chr16-68737445-G-T. GRCh37 (hg19) VCF-style: chr16-68771348-G-T.
Other names: c.30G>T, p.Ala10= (NM_001317184.2); c.-1586G>T (NM_001317185.2); c.-1790G>T (NM_001317186.2).
Identifiers: ClinVar variation 491533 (VCV000491533.16), dbSNP rs1203525339, ClinGen allele CA496149560.